The following is an entry in ClinVar:

ClinVar aggregate classification (germline): Uncertain significance (1 of 4 stars; one submission).

Allele frequency attached by ClinVar (database versions not stated): gnomAD 0.00001; gnomAD exomes 0.00001 and 0.00003; ExAC 0.00002; TOPMed 0.00002; ESP Exome Variant Server 0.00008.
gnomAD v4.1: 48 of 1,612,840 alleles (0.003%); highest among the groups gnomAD compares: Non-Finnish European, 0.0037%; no homozygotes.

Submission:

Laboratory for Molecular Medicine, Mass General Brigham Personalized Medicine
Classification: Uncertain significance. Last evaluated: 2011-12-13. Review status: criteria provided, single submitter. Criteria: LMM Criteria. Collection method: clinical testing. Allele origin: germline. Observed: 1 variant allele.
Comment: Conservation data and computational tools a re limited or unavailable for this variant. Therefore, the clinical significanc e of this variant cannot be determined at this time.

NM_133379.5(TTN):c.14552T>C (p.Ile4851Thr)

Genes: TTN (titin; minus strand), LOC126806432 (CDK7 strongly-dependent group 2 enhancer GRCh37_chr2:179611985-179613184; plus strand). Cytogenetic location: 2q31.2.
Variant type: single nucleotide variant.
Coding change: c.14552T>C on transcript NM_133379.5; coding-DNA position 14552, T replaced by C.
Protein change: p.Ile4851Thr; replaces isoleucine 4851 with threonine.
Molecular consequence: missense variant. On other transcripts: intron variant (6).
Genome position (GRCh38, 1-based): chr2:178,747,848, A>G on the plus strand (T>C on the coding strand, the complement: TTN is on the minus strand). VCF-style: chr2-178747848-A-G. GRCh37 (hg19) VCF-style: chr2-179612575-A-G.
Other names: c.10222+5276T>C (NM_003319.4); c.10798+5276T>C (NM_133437.4); c.10597+5276T>C (NM_133432.3); c.10360+5276T>C (NM_133378.4, NM_001256850.1); c.11311+5276T>C (NM_001267550.2); short protein forms I4851T.
Identifiers: ClinVar variation 47774 (VCV000047774.5), dbSNP rs143310631, ClinGen allele CA141871.